The following is an entry in ClinVar:

NM_000051.4(ATM):c.7307+5C>T

Genes: ATM (ATM serine/threonine kinase; plus strand), C11orf65 (chromosome 11 open reading frame 65; minus strand). Cytogenetic location: 11q22.3.
Variant type: single nucleotide variant.
Coding change: c.7307+5C>T on transcript NM_000051.4 (MANE Select); 5 bases into the intron after coding-DNA position 7307, C replaced by T.
Molecular consequence: intron variant.
Genome position (GRCh38, 1-based): chr11:108,329,243, C>T. VCF-style: chr11-108329243-C-T. GRCh37 (hg19) VCF-style: chr11-108199970-C-T.
Other names: c.7307+5C>T (NM_001351834.2); c.641-20172G>A (NM_001330368.2); c.*38+5977G>A (NM_001351110.2).
Identifiers: ClinVar variation 939894 (VCV000939894.8), dbSNP rs2086005523, ClinGen allele CA1139662272.

ClinVar aggregate classification (germline): Uncertain significance (1 of 4 stars; one submission).

Conditions:
Ataxia-telangiectasia syndrome (AT). Also called: Ataxia-telangiectasia, complementation group D; AT, COMPLEMENTATION GROUP C; ATAXIA-TELANGIECTASIA, COMPLEMENTATION GROUP A; ATAXIA-TELANGIECTASIA, FRESNO VARIANT; Ataxia-telangiectasia; Ataxia telangiectasia (A-T). Identifiers: Orphanet 100, MedGen C0004135, MONDO:0008840, OMIM 208900.

Submission:

Labcorp Genetics (formerly Invitae), Labcorp
Classification: Uncertain significance for Ataxia-telangiectasia syndrome. Last evaluated: 2025-06-19. Review status: criteria provided, single submitter. Criteria: Invitae Variant Classification Sherloc (09022015). Collection method: clinical testing. Allele origin: germline.
Comment: This sequence change falls in intron 49 of the ATM gene. It does not directly change the encoded amino acid sequence of the ATM protein. It affects a nucleotide within the consensus splice site. This variant is not present in population databases (gnomAD no frequency). This variant has not been reported in the literature in individuals affected with ATM-related conditions. ClinVar contains an entry for this variant (Variation ID: 939894). Variants that disrupt the consensus splice site are a relatively common cause of aberrant splicing (PMID: 17576681, 9536098). Algorithms developed to predict the effect of sequence changes on RNA splicing suggest that this variant is not likely to affect RNA splicing. In summary, the available evidence is currently insufficient to determine the role of this variant in disease. Therefore, it has been classified as a Variant of Uncertain Significance.

Literature cited by the submitters: PubMed 17576681; PubMed 9536098.